The following is an entry in ClinVar:

ClinVar aggregate classification (germline): Uncertain significance (1 of 4 stars; one submission).

Submission:

GeneDx
Classification: Uncertain significance. Last evaluated: 2024-12-08. Review status: criteria provided, single submitter. Criteria: GeneDx Variant Classification Process June 2021. Collection method: clinical testing. Allele origin: germline. Affected: yes.
Comment: Not observed at significant frequency in large population cohorts (gnomAD); In silico analysis indicates that this missense variant does not alter protein structure/function; Has not been previously published as pathogenic or benign to our knowledge

NM_001127222.2(CACNA1A):c.3069G>C (p.Glu1023Asp)

Gene: CACNA1A (calcium voltage-gated channel subunit alpha1 A; minus strand). Cytogenetic location: 19p13.13.
Variant type: single nucleotide variant.
Coding change: c.3069G>C on transcript NM_001127222.2 (MANE Select); coding-DNA position 3069, G replaced by C.
Protein change: p.Glu1023Asp; replaces glutamic acid 1023 with aspartic acid.
Molecular consequence: missense variant.
Genome position (GRCh38, 1-based): chr19:13,298,564, C>G on the plus strand (G>C on the coding strand, the complement: CACNA1A is on the minus strand). VCF-style: chr19-13298564-C-G. GRCh37 (hg19) VCF-style: chr19-13409378-C-G.
Other names: c.3081G>C, p.Glu1027Asp (NM_000068.4, NM_023035.3); c.3072G>C, p.Glu1024Asp (NM_001127221.2, NM_001174080.2); short protein forms E1023D, E1024D, E1027D.
Identifiers: ClinVar variation 3901441 (VCV003901441.1).
Genomic context (GRCh38, chr19:13,298,564, plus strand): 5'-GTTACCGTCATTCTGCGGATTCGAGGTCACCTCCACTTACTTCCTCCTCCGATGCCTCCG[C>G]TCCTTGTCCTCCCTCCGCGCGTCCCCCTCGTACGTGGCTGGAGCGCCATGCCGGTGCCTT-3'
Protein context (NP_001120694.1, residues 1013-1033): YEGDARREDK[Glu1023Asp]RRHRRRKENQ